The following is an entry in ClinVar:

NM_022817.3(PER2):c.2530G>T (p.Val844Leu)

Gene: PER2 (period circadian regulator 2; minus strand). Cytogenetic location: 2q37.3.
Variant type: single nucleotide variant.
Coding change: c.2530G>T on transcript NM_022817.3 (MANE Select); coding-DNA position 2530, G replaced by T.
Protein change: p.Val844Leu; replaces valine 844 with leucine.
Molecular consequence: missense variant.
Genome position (GRCh38, 1-based): chr2:238,253,493, C>A on the plus strand (G>T on the coding strand, the complement: PER2 is on the minus strand). VCF-style: chr2-238253493-C-A. GRCh37 (hg19) VCF-style: chr2-239162134-C-A.
Other names: short protein forms V844L.
Identifiers: ClinVar variation 3045417 (VCV003045417.2), dbSNP rs138292908, ClinGen allele CA2197050.

ClinVar aggregate classification (germline): Likely benign (0 of 4 stars; one submission).

Conditions:
PER2-related disorder. Also called: PER2-related condition.

Allele frequency attached by ClinVar (database versions not stated): ESP Exome Variant Server 0.00023; 1000 Genomes Project 30x 0.00109; 1000 Genomes Project 0.00140.
gnomAD v4.1: 195 of 1,612,322 alleles (0.012%); highest among the groups gnomAD compares: East Asian, 0.33%; 1 homozygote.

Submission:

PreventionGenetics, part of Exact Sciences
Classification: Likely benign for PER2-related condition. Last evaluated: 2019-03-30. Review status: no assertion criteria provided. Collection method: clinical testing. Allele origin: germline.
Comment: This variant is classified as likely benign based on ACMG/AMP sequence variant interpretation guidelines (Richards et al. 2015 PMID: 25741868, with internal and published modifications).